The following is an entry in ClinVar:

NM_007294.4(BRCA1):c.1392del (p.Tyr465fs)

Gene: BRCA1 (BRCA1 DNA repair associated; minus strand). Cytogenetic location: 17q21.31.
Variant type: Deletion.
Coding change: c.1392del on transcript NM_007294.4 (MANE Select); coding-DNA position 1392, one base deleted (C; older notation c.1392delC).
Protein change: p.Tyr465fs; shifts the reading frame from tyrosine 465.
Molecular consequence: frameshift variant. On other transcripts: intron variant (137).
Genome position (GRCh38, 1-based): chr17:43,094,139, G deleted on the plus strand (C on the coding strand, the reverse complement: BRCA1 is on the minus strand); the first of 2 consecutive G bases (chr17:43,094,139-43,094,140); deleting either gives the same sequence. VCF-style (leftmost placement, unchanged base first): chr17-43094138-AG-A. GRCh37 (hg19) VCF-style: chr17-41246155-AG-A.
Other names: 1510delC; c.1392delC (NM_007294.3); c.646+605del (NM_001408455.1, NM_001408466.1, NM_001408452.1 and 11 more transcripts); c.577+605del (NM_001408513.1, NM_001408489.1, NM_001408479.1 and 9 more transcripts); c.520+605del (NM_001408503.1, NM_001408505.1, NM_001408504.1); c.523+605del (NM_001408500.1, NM_001408497.1, NM_001408496.1 and 3 more transcripts); c.787+605del (NM_001407973.1, NM_001408403.1, NM_001407983.1 and 19 more transcripts); c.404-3107del (NM_001408511.1); and 42 more; short protein forms Y418fs, Y465fs, Y377fs, Y394fs, Y423fs, Y424fs, Y462fs, Y353fs.
Identifiers: ClinVar variation 54238 (VCV000054238.7), dbSNP rs80357592, ClinGen allele CA000935.

ClinVar aggregate classification (germline): Pathogenic. Review status: reviewed by expert panel (3 of 4 stars). 2 submissions from 2 submitters: Pathogenic (1). 1 of the submissions does not count toward it. Last evaluated 2016-10-18.

Conditions:
Breast-ovarian cancer, familial, susceptibility to, 1 (BROVCA1). Also called: OVARIAN CANCER, SUSCEPTIBILITY TO; BRCA1 Hereditary Breast and Ovarian Cancer. Identifiers: Orphanet 145, MedGen C2676676, MONDO:0011450, OMIM 604370. Disease mechanism: loss of function.

Submissions (2):

Evidence-based Network for the Interpretation of Germline Mutant Alleles (ENIGMA)
Classification: Pathogenic for Breast-ovarian cancer, familial, susceptibility to, 1. Last evaluated: 2016-10-18. Review status: reviewed by expert panel. Criteria: ENIGMA BRCA1/2 Classification Criteria (2015). Collection method: curation. Allele origin: germline.
Comment: Variant allele predicted to encode a truncated non-functional protein.

Consortium of Investigators of Modifiers of BRCA1/2 (CIMBA), c/o University of Cambridge
Classification: Pathogenic for Breast-ovarian cancer, familial, susceptibility to, 1. Last evaluated: 2015-10-02. Review status: criteria provided, single submitter. Criteria: CIMBA Mutation Classification guidelines May 2016. Collection method: clinical testing. Allele origin: germline. Not counted in ClinVar's aggregate classification.